The following is an entry in ClinVar:

NM_015443.4(KANSL1):c.798A>G (p.Lys266=)

Gene: KANSL1 (KAT8 regulatory NSL complex subunit 1). Cytogenetic location: 17q21.31.
Variant type: single nucleotide variant.
Coding change: c.798A>G on transcript NM_015443.4 (MANE Select); coding-DNA position 798, A replaced by G.
Protein change: p.Lys266=; no amino-acid change (lysine 266 retained).
Molecular consequence: synonymous variant.
Genome position (GRCh38, 1-based): chr17:46,171,346, T>C on the plus strand (A>G on the coding strand, the complement: KANSL1 is on the minus strand). VCF-style: chr17-46171346-T-C. GRCh37 (hg19) VCF-style: chr17-44248712-T-C.
Other names: c.798A>G, p.Lys266= (NM_001193465.2, NM_001193466.2, NM_001379198.1).
Identifiers: ClinVar variation 1207750 (VCV001207750.3), dbSNP rs765667414, ClinGen allele CA8618960.

ClinVar aggregate classification (germline): Uncertain significance (1 of 4 stars; one submission).

Allele frequency attached by ClinVar (database versions not stated): gnomAD exomes below 0.00001 and 0.00001; TOPMed below 0.00001; ExAC 0.00001; gnomAD 0.00001.
gnomAD v4.1: 3 of 1,614,178 alleles (0.00019%); highest among the groups gnomAD compares: South Asian, 0.0022%; no homozygotes.

Submission:

GeneDx
Classification: Uncertain significance. Last evaluated: 2021-06-28. Review status: criteria provided, single submitter. Criteria: GeneDx Variant Classification Process June 2021. Collection method: clinical testing. Allele origin: germline. Affected: yes.
Comment: Has not been previously published as pathogenic or benign to our knowledge; In silico analysis, which includes splice predictors and evolutionary conservation, suggests this variant may impact gene splicing. In the absence of RNA/functional studies, the actual effect of this sequence change is unknown.